The following is an entry in ClinVar:

ClinVar aggregate classification (germline): Likely pathogenic. Review status: criteria provided, multiple submitters, no conflicts (2 of 4 stars). 3 submissions from 3 submitters: Likely pathogenic (2). 1 of the submissions does not count toward it. Last evaluated 2026-02-02.

Conditions:
Imerslund-Grasbeck syndrome type 2. Also called: Megaloblastic anemia 1, Norwegian type; MEGALOBLASTIC ANEMIA, NORWEGIAN TYPE; Imerslund-Gräsbeck syndrome 2. Identifiers: MedGen C4016948, MONDO:0100157, OMIM 618882.
Imerslund-Grasbeck syndrome. Also called: Imerslund-Gräsbeck syndrome; PERNICIOUS ANEMIA, JUVENILE, DUE TO SELECTIVE INTESTINAL MALABSORPTION OF VITAMIN B12, WITH PROTEINURIA; ENTEROCYTE COBALAMIN MALABSORPTION; ENTEROCYTE INTRINSIC FACTOR RECEPTOR, DEFECT OF; Megaloblastic anemia due to inborn errors of metabolism. Identifiers: Orphanet 35858, MedGen C4551825, MONDO:0009853.

Allele frequency attached by ClinVar (database versions not stated): ExAC 0.00002; gnomAD exomes 0.00002 and 0.00005; TOPMed 0.00002.
gnomAD v4.1: 79 of 1,612,640 alleles (0.0049%); highest among the groups gnomAD compares: Non-Finnish European, 0.0066%; no homozygotes.

Submissions (3):

Labcorp Genetics (formerly Invitae), Labcorp
Classification: Likely pathogenic for Imerslund-Grasbeck syndrome. Last evaluated: 2026-02-02. Review status: criteria provided, single submitter. Criteria: Invitae Variant Classification Sherloc (09022015). Collection method: clinical testing. Allele origin: germline.
Comment: This sequence change replaces threonine, which is neutral and polar, with isoleucine, which is neutral and non-polar, at codon 41 of the AMN protein (p.Thr41Ile). This variant is present in population databases (rs119478058, gnomAD 0.006%). This missense change has been observed in individuals with clinical features of Imerslund-Gräsbeck syndrome (PMID: 12590260, 22929189). It has also been observed to segregate with disease in related individuals. ClinVar contains an entry for this variant (Variation ID: 4770). Invitae Evidence Modeling of protein sequence and biophysical properties (such as structural, functional, and spatial information, amino acid conservation, physicochemical variation, residue mobility, and thermodynamic stability) indicates that this missense variant is not expected to disrupt AMN protein function with a negative predictive value of 80%. Experimental studies have shown that this missense change affects AMN function (PMID: 30523278). In summary, the currently available evidence indicates that the variant is pathogenic, but additional data are needed to prove that conclusively. Therefore, this variant has been classified as Likely Pathogenic.

Fulgent Genetics
Classification: Likely pathogenic for Imerslund-Grasbeck syndrome type 2. Last evaluated: 2024-04-16. Review status: criteria provided, single submitter. Criteria: ACMG Guidelines, 2015. Collection method: clinical testing. Allele origin: germline.

OMIM
Classification: Pathogenic for IMERSLUND-GRASBECK SYNDROME 2. Last evaluated: 2003-03-01. Review status: no assertion criteria provided. Collection method: literature only. Allele origin: germline. Not counted in ClinVar's aggregate classification.

Literature cited by the submitters: PubMed 12590260 (cited by Labcorp Genetics (formerly Invitae), Labcorp and OMIM); PubMed 22929189 (cited by Labcorp Genetics (formerly Invitae), Labcorp); PubMed 30523278 (cited by Labcorp Genetics (formerly Invitae), Labcorp).

NM_030943.4(AMN):c.122C>T (p.Thr41Ile)

Gene: AMN (amnion associated transmembrane protein; plus strand). Cytogenetic location: 14q32.32.
Variant type: single nucleotide variant.
Coding change: c.122C>T on transcript NM_030943.4 (MANE Select); coding-DNA position 122, C replaced by T.
Protein change: p.Thr41Ile; replaces threonine 41 with isoleucine.
Molecular consequence: missense variant.
Genome position (GRCh38, 1-based): chr14:102,923,789, C>T. VCF-style: chr14-102923789-C-T. GRCh37 (hg19) VCF-style: chr14-103390126-C-T.
Other names: short protein forms T41I.
Identifiers: ClinVar variation 4770 (VCV000004770.8), dbSNP rs119478058, ClinGen allele CA117064.